The following is an entry in ClinVar:

NM_006767.4(LZTR1):c.1035G>T (p.Glu345Asp)

Gene: LZTR1 (leucine zipper like post translational regulator 1; plus strand). Cytogenetic location: 22q11.21.
Variant type: single nucleotide variant.
Coding change: c.1035G>T on transcript NM_006767.4 (MANE Select); coding-DNA position 1035, G replaced by T.
Protein change: p.Glu345Asp; replaces glutamic acid 345 with aspartic acid.
Molecular consequence: missense variant.
Genome position (GRCh38, 1-based): chr22:20,992,255, G>T. VCF-style: chr22-20992255-G-T. GRCh37 (hg19) VCF-style: chr22-21346544-G-T.
Other names: short protein forms E345D.
Identifiers: ClinVar variation 2698835 (VCV002698835.3), dbSNP rs1224035711, ClinGen allele CA410781845.

ClinVar aggregate classification (germline): Uncertain significance (1 of 4 stars; one submission).

Submission:

Labcorp Genetics (formerly Invitae), Labcorp
Classification: Uncertain significance. Last evaluated: 2023-11-25. Review status: criteria provided, single submitter. Criteria: Invitae Variant Classification Sherloc (09022015). Collection method: clinical testing. Allele origin: germline.
Comment: This sequence change replaces glutamic acid, which is acidic and polar, with aspartic acid, which is acidic and polar, at codon 345 of the LZTR1 protein (p.Glu345Asp). This variant is not present in population databases (gnomAD no frequency). This variant has not been reported in the literature in individuals affected with LZTR1-related conditions. Advanced modeling of protein sequence and biophysical properties (such as structural, functional, and spatial information, amino acid conservation, physicochemical variation, residue mobility, and thermodynamic stability) performed at Invitae indicates that this missense variant is not expected to disrupt LZTR1 protein function with a negative predictive value of 80%. In summary, the available evidence is currently insufficient to determine the role of this variant in disease. Therefore, it has been classified as a Variant of Uncertain Significance.